The following is an entry in ClinVar:

ClinVar aggregate classification (germline): Uncertain significance. Review status: criteria provided, multiple submitters, no conflicts (2 of 4 stars). 2 submissions from 2 submitters: Uncertain significance (2). Last evaluated 2025-08-24.

gnomAD v4.1: 73 of 1,589,612 alleles (0.0046%); highest among the groups gnomAD compares: Non-Finnish European, 0.0058%; no homozygotes.

Submissions (2):

Ambry Genetics
Classification: Uncertain significance. Last evaluated: 2025-08-24. Review status: criteria provided, single submitter. Criteria: Ambry Variant Classification Scheme 2023. Collection method: clinical testing. Allele origin: germline.

Clinical Genomics Laboratory, Washington University in St. Louis
Classification: Uncertain significance. Last evaluated: 2025-01-22. Review status: criteria provided, single submitter. Criteria: ACMG Guidelines, 2015. Collection method: clinical testing. Allele origin: germline.
Comment: The NLRC3 c.1786A>T (p.Thr596Ser) variant, to our knowledge, has not been reported in the medical literature. This variant is only observed on 8 out of 238,926 alleles in the general population (gnomAD v.2.1.1), indicating it is not a common variant. Computational predictors suggest that the variant does not impact NLRC3 function. Due to limited information, the clinical significance of this variant is uncertain.

NM_178844.4(NLRC3):c.1786A>T (p.Thr596Ser)

Gene: NLRC3 (NLR family CARD domain containing 3; minus strand). Cytogenetic location: 16p13.3.
Variant type: single nucleotide variant.
Coding change: c.1786A>T on transcript NM_178844.4 (MANE Select); coding-DNA position 1786, A replaced by T.
Protein change: p.Thr596Ser; replaces threonine 596 with serine.
Molecular consequence: missense variant. On other transcripts: non-coding transcript variant (1).
Genome position (GRCh38, 1-based): chr16:3,563,151, T>A on the plus strand (A>T on the coding strand, the complement: NLRC3 is on the minus strand). VCF-style: chr16-3563151-T-A. GRCh37 (hg19) VCF-style: chr16-3613152-T-A.
Other names: short protein forms T596S.
Identifiers: ClinVar variation 4120476 (VCV004120476.2).